The following is an entry in ClinVar:

ClinVar aggregate classification (germline): Uncertain significance (1 of 4 stars; one submission).

Conditions:
Inborn genetic diseases. Identifiers: MedGen C0950123, MeSH D030342.

Submission:

Ambry Genetics
Classification: Uncertain significance for Inborn genetic diseases. Last evaluated: 2026-01-14. Review status: criteria provided, single submitter. Criteria: Ambry Variant Classification Scheme 2023. Collection method: clinical testing. Allele origin: germline.
Comment: The p.S820P variant (also known as c.2458T>C), located in coding exon 1 of the SAMD9L gene, results from a T to C substitution at nucleotide position 2458. The serine at codon 820 is replaced by proline, an amino acid with similar properties. This amino acid position is conserved. In addition, this alteration is predicted to be tolerated by in silico analysis. Based on the available evidence, the clinical significance of this variant remains unclear.

NM_152703.5(SAMD9L):c.2458T>C (p.Ser820Pro)

Gene: SAMD9L (sterile alpha motif domain containing 9 like; minus strand). Cytogenetic location: 7q21.2.
Variant type: single nucleotide variant.
Coding change: c.2458T>C on transcript NM_152703.5 (MANE Select); coding-DNA position 2458, T replaced by C.
Protein change: p.Ser820Pro; replaces serine 820 with proline.
Molecular consequence: missense variant.
Genome position (GRCh38, 1-based): chr7:93,133,514, A>G on the plus strand (T>C on the coding strand, the complement: SAMD9L is on the minus strand). VCF-style: chr7-93133514-A-G. GRCh37 (hg19) VCF-style: chr7-92762827-A-G.
Other names: c.2458T>C, p.Ser820Pro (NM_001303496.3, NM_001303497.3, NM_001303498.3 and 5 more transcripts); short protein forms S820P.
Identifiers: ClinVar variation 4842048 (VCV004842048.1).